The following is an entry in ClinVar:

ClinVar aggregate classification (germline): Uncertain significance (1 of 4 stars; one submission).

Conditions:
Inborn genetic diseases. Identifiers: MedGen C0950123, MeSH D030342.

Submission:

Ambry Genetics
Classification: Uncertain significance for Inborn genetic diseases. Last evaluated: 2025-06-24. Review status: criteria provided, single submitter. Criteria: Ambry Variant Classification Scheme 2023. Collection method: clinical testing. Allele origin: germline.
Comment: The p.L435V variant (also known as c.1303T>G), located in coding exon 1 of the SAMD9L gene, results from a T to G substitution at nucleotide position 1303. The leucine at codon 435 is replaced by valine, an amino acid with highly similar properties. This amino acid position is conserved. In addition, this alteration is predicted to be tolerated by in silico analysis. Based on the available evidence, the clinical significance of this variant remains unclear.

NM_152703.5(SAMD9L):c.1303T>G (p.Leu435Val)

Gene: SAMD9L (sterile alpha motif domain containing 9 like; minus strand). Cytogenetic location: 7q21.2.
Variant type: single nucleotide variant.
Coding change: c.1303T>G on transcript NM_152703.5 (MANE Select); coding-DNA position 1303, T replaced by G.
Protein change: p.Leu435Val; replaces leucine 435 with valine.
Molecular consequence: missense variant.
Genome position (GRCh38, 1-based): chr7:93,134,669, A>C on the plus strand (T>G on the coding strand, the complement: SAMD9L is on the minus strand). VCF-style: chr7-93134669-A-C. GRCh37 (hg19) VCF-style: chr7-92763982-A-C.
Other names: c.1303T>G, p.Leu435Val (NM_001303496.3, NM_001303497.3, NM_001303498.3 and 5 more transcripts); short protein forms L435V.
Identifiers: ClinVar variation 4159267 (VCV004159267.1).